The following is an entry in ClinVar:

NM_012254.3(SLC27A5):c.1657G>C (p.Asp553His)

Gene: SLC27A5 (solute carrier family 27 member 5; minus strand). Cytogenetic location: 19q13.43.
Variant type: single nucleotide variant.
Coding change: c.1657G>C on transcript NM_012254.3 (MANE Select); coding-DNA position 1657, G replaced by C.
Protein change: p.Asp553His; replaces aspartic acid 553 with histidine.
Molecular consequence: missense variant.
Genome position (GRCh38, 1-based): chr19:58,499,502, C>G on the plus strand (G>C on the coding strand, the complement: SLC27A5 is on the minus strand). VCF-style: chr19-58499502-C-G. GRCh37 (hg19) VCF-style: chr19-59010869-C-G.
Other names: c.1405G>C, p.Asp469His (NM_001321196.2); short protein forms D553H, D469H.
Identifiers: ClinVar variation 2706131 (VCV002706131.3), dbSNP rs1290028887, ClinGen allele CA407948229.
Genomic context (GRCh38, chr19:58,499,502, plus strand): 5'-AGCGTCCGTGGCCCCGCGCCAGCCCCGCCCCGAGAAACCCTGCCTCGGACCGGAAGGTGT[C>G]CCCGAGGCGGTCGCGGAAGTAGAGGAAGCCTTCGCGGTCCATGGCCAGTACGTCCCCGGT-3'
Protein context (NP_036386.1, residues 543-563): GFLYFRDRLG[Asp553His]TFRWKGENVS

ClinVar aggregate classification (germline): Uncertain significance (1 of 4 stars; one submission).

Submission:

Labcorp Genetics (formerly Invitae), Labcorp
Classification: Uncertain significance. Last evaluated: 2025-09-08. Review status: criteria provided, single submitter. Criteria: Invitae Variant Classification Sherloc (09022015). Collection method: clinical testing. Allele origin: germline.
Comment: This sequence change replaces aspartic acid, which is acidic and polar, with histidine, which is basic and polar, at codon 553 of the SLC27A5 protein (p.Asp553His). This variant is not present in population databases (gnomAD no frequency). This variant has not been reported in the literature in individuals affected with SLC27A5-related conditions. ClinVar contains an entry for this variant (Variation ID: 2706131). An algorithm developed to predict the effect of missense changes on protein structure and function (PolyPhen-2) suggests that this variant is likely to be disruptive. In summary, the available evidence is currently insufficient to determine the role of this variant in disease. Therefore, it has been classified as a Variant of Uncertain Significance.